The following is an entry in ClinVar:

ClinVar aggregate classification (germline): Likely benign. Review status: criteria provided, single submitter (1 of 4 stars). 2 submissions from 2 submitters: Likely benign (1). 1 of the submissions does not count toward it. Last evaluated 2022-04-01.

Conditions:
MAPK8IP3-related disorder. Also called: MAPK8IP3-related condition.

Allele frequency attached by ClinVar (database versions not stated): gnomAD 0.00001; gnomAD exomes 0.00001; ExAC 0.00003.
gnomAD v4.1: 8 of 1,609,790 alleles (0.0005%); highest among the groups gnomAD compares: African/African-American, 0.004%; no homozygotes.

Submissions (2):

CeGaT Center for Human Genetics Tuebingen
Classification: Likely benign. Last evaluated: 2022-04-01. Review status: criteria provided, single submitter. Criteria: CeGaT Center For Human Genetics Tuebingen Variant Classification Criteria Version 2. Collection method: clinical testing. Allele origin: germline. Affected: yes. Observed: 1 variant allele.
Comment: MAPK8IP3: BP4, BP7

PreventionGenetics, part of Exact Sciences
Classification: Likely benign for MAPK8IP3-related condition. Last evaluated: 2024-01-23. Review status: no assertion criteria provided. Collection method: clinical testing. Allele origin: germline. Not counted in ClinVar's aggregate classification.
Comment: This variant is classified as likely benign based on ACMG/AMP sequence variant interpretation guidelines (Richards et al. 2015 PMID: 25741868, with internal and published modifications).

NM_001318852.2(MAPK8IP3):c.681C>T (p.Leu227=)

Gene: MAPK8IP3 (mitogen-activated protein kinase 8 interacting protein 3; plus strand). Cytogenetic location: 16p13.3.
Variant type: single nucleotide variant.
Coding change: c.681C>T on transcript NM_001318852.2 (MANE Select); coding-DNA position 681, C replaced by T.
Protein change: p.Leu227=; no amino-acid change (leucine 227 retained).
Molecular consequence: synonymous variant.
Genome position (GRCh38, 1-based): chr16:1,743,410, C>T. VCF-style: chr16-1743410-C-T. GRCh37 (hg19) VCF-style: chr16-1793411-C-T.
Other names: c.678C>T, p.Leu226= (NM_001040439.2, NM_015133.5, NM_033392.3); c.681C>T (NM_001318852.1).
Identifiers: ClinVar variation 2645910 (VCV002645910.24), dbSNP rs776543096, ClinGen allele CA7816449.
Genomic context (GRCh38, chr16:1,743,410, plus strand): 5'-CTCCCTGAACGTGTTCCCCCTGGCTGACGGCACGGTACGTGCACAGATCGGGGGCAAGCT[C>T]GTGCCTGCGGGGGACCACTGGCACCTGAGTGACCTCGGCCAGCTGCAGTCCAGCTCCAGC-3'
Protein context (NP_001305781.1, residues 217-237): GTVRAQIGGK[Leu227=]VPAGDHWHLS